The following is an entry in ClinVar:

NM_018993.4(RIN2):c.1046C>T (p.Pro349Leu)

Gene: RIN2 (Ras and Rab interactor 2; plus strand). Cytogenetic location: 20p11.23.
Variant type: single nucleotide variant.
Coding change: c.1046C>T on transcript NM_018993.4 (MANE Select); coding-DNA position 1046, C replaced by T.
Protein change: p.Pro349Leu; replaces proline 349 with leucine.
Molecular consequence: missense variant.
Genome position (GRCh38, 1-based): chr20:19,975,071, C>T. VCF-style: chr20-19975071-C-T. GRCh37 (hg19) VCF-style: chr20-19955715-C-T.
Other names: c.1193C>T, p.Pro398Leu (NM_001242581.2); c.428C>T, p.Pro143Leu (NM_001378238.1); short protein forms P349L, P398L, P143L.
Identifiers: ClinVar variation 1511726 (VCV001511726.3), dbSNP rs758305998, ClinGen allele CA9780003.

ClinVar aggregate classification (germline): Uncertain significance (1 of 4 stars; one submission).

Allele frequency attached by ClinVar (database versions not stated): gnomAD 0.00001; gnomAD exomes 0.00001 and 0.00002; ExAC 0.00003.
gnomAD v4.1: 15 of 1,613,458 alleles (0.00093%); highest among the groups gnomAD compares: Middle Eastern, 0.033%; no homozygotes.

Submission:

Labcorp Genetics (formerly Invitae), Labcorp
Classification: Uncertain significance. Last evaluated: 2022-08-23. Review status: criteria provided, single submitter. Criteria: Invitae Variant Classification Sherloc (09022015). Collection method: clinical testing. Allele origin: germline.
Comment: This sequence change replaces proline, which is neutral and non-polar, with leucine, which is neutral and non-polar, at codon 349 of the RIN2 protein (p.Pro349Leu). This variant is present in population databases (rs758305998, gnomAD 0.004%). This variant has not been reported in the literature in individuals affected with RIN2-related conditions. ClinVar contains an entry for this variant (Variation ID: 1511726). Algorithms developed to predict the effect of missense changes on protein structure and function output the following: SIFT: "Tolerated"; PolyPhen-2: "Not Available"; Align-GVGD: "Class C0". The leucine amino acid residue is found in multiple mammalian species, which suggests that this missense change does not adversely affect protein function. In summary, the available evidence is currently insufficient to determine the role of this variant in disease. Therefore, it has been classified as a Variant of Uncertain Significance.